The following is an entry in ClinVar:

NM_002485.5(NBN):c.1654G>C (p.Glu552Gln)

Gene: NBN (nibrin; minus strand). Cytogenetic location: 8q21.3.
Variant type: single nucleotide variant.
Coding change: c.1654G>C on transcript NM_002485.5 (MANE Select); coding-DNA position 1654, G replaced by C.
Protein change: p.Glu552Gln; replaces glutamic acid 552 with glutamine.
Molecular consequence: missense variant.
Genome position (GRCh38, 1-based): chr8:89,953,435, C>G on the plus strand (G>C on the coding strand, the complement: NBN is on the minus strand). VCF-style: chr8-89953435-C-G. GRCh37 (hg19) VCF-style: chr8-90965663-C-G.
Other names: c.1408G>C, p.Glu470Gln (NM_001024688.3); short protein forms E552Q, E470Q.
Identifiers: ClinVar variation 418376 (VCV000418376.21), dbSNP rs1064793213, ClinGen allele CA16618700.
Genomic context (GRCh38, chr8:89,953,435, plus strand): 5'-GTTTTGTGTCCTTGAATAACTGTTCCAATACTTCATCTTCTATGGCCACATCATCCATTT[C>G]CCTTTTTTTATTTGATCTTAGCTTTTCTGCAGCATGAGATTTACTGGCAGAATTTTTCAC-3'
Protein context (NP_002476.2, residues 542-562): AEKLRSNKKR[Glu552Gln]MDDVAIEDEV

ClinVar aggregate classification (germline): Uncertain significance. Review status: criteria provided, multiple submitters, no conflicts (2 of 4 stars). 5 submissions from 5 submitters: Uncertain significance (5). Last evaluated 2024-03-22.

Conditions:
Hereditary cancer-predisposing syndrome. Also called: Tumor predisposition; Neoplastic Syndromes, Hereditary; Hereditary Cancer Syndrome; Hereditary neoplastic syndrome. Identifiers: Orphanet 140162, MedGen C0027672, MeSH D009386, MONDO:0015356.
Aplastic anemia. Identifiers: Orphanet 182040, Orphanet 88, MedGen C0002874, MONDO:0015909, OMIM 609135, HP:0001915.
Microcephaly, normal intelligence and immunodeficiency (NBS). Also called: Nijmegen breakage syndrome; Microcephaly with normal intelligence immunodeficiency and lymphoreticular malignancies; Nonsyndromal microcephaly autosomal recessive with normal intelligence; Seemanova syndrome 2; Immunodeficiency, microcephaly with normal intelligence; BERLIN BREAKAGE SYNDROME. Identifiers: Orphanet 647, MedGen C0398791, MONDO:0009623, OMIM 251260.

Allele frequency attached by ClinVar (database versions not stated): gnomAD exomes below 0.00001.
gnomAD v4.1: 3 of 1,613,812 alleles (0.00019%); highest among the groups gnomAD compares: South Asian, 0.0011%; no homozygotes.

Submissions (5):

Ambry Genetics
Classification: Uncertain significance for Hereditary cancer-predisposing syndrome. Last evaluated: 2024-03-22. Review status: criteria provided, single submitter. Criteria: Ambry Variant Classification Scheme 2023. Collection method: clinical testing. Allele origin: germline.
Comment: The p.E552Q variant (also known as c.1654G>C), located in coding exon 11 of the NBN gene, results from a G to C substitution at nucleotide position 1654. The glutamic acid at codon 552 is replaced by glutamine, an amino acid with highly similar properties. This amino acid position is well conserved in available vertebrate species. In addition, this alteration is predicted to be tolerated by in silico analysis. Since supporting evidence is limited at this time, the clinical significance of this alteration remains unclear.

Labcorp Genetics (formerly Invitae), Labcorp
Classification: Uncertain significance for Microcephaly, normal intelligence and immunodeficiency. Last evaluated: 2023-10-22. Review status: criteria provided, single submitter. Criteria: Invitae Variant Classification Sherloc (09022015). Collection method: clinical testing. Allele origin: germline.
Comment: This sequence change replaces glutamic acid, which is acidic and polar, with glutamine, which is neutral and polar, at codon 552 of the NBN protein (p.Glu552Gln). This variant is not present in population databases (gnomAD no frequency). This variant has not been reported in the literature in individuals affected with NBN-related conditions. ClinVar contains an entry for this variant (Variation ID: 418376). Algorithms developed to predict the effect of missense changes on protein structure and function output the following: SIFT: "Not Available"; PolyPhen-2: "Possibly Damaging"; Align-GVGD: "Not Available". The glutamine amino acid residue is found in multiple mammalian species, which suggests that this missense change does not adversely affect protein function. In summary, the available evidence is currently insufficient to determine the role of this variant in disease. Therefore, it has been classified as a Variant of Uncertain Significance.

Baylor Genetics
Classification: Uncertain significance for Aplastic anemia. Last evaluated: 2023-10-17. Review status: criteria provided, single submitter. Criteria: ACMG Guidelines, 2015. Collection method: clinical testing. Allele origin: unknown.

Genome-Nilou Lab
Classification: Uncertain significance for Microcephaly, normal intelligence and immunodeficiency. Last evaluated: 2021-11-07. Review status: criteria provided, single submitter. Criteria: ACMG Guidelines, 2015. Collection method: clinical testing. Allele origin: germline. Affected: no.

GeneDx
Classification: Uncertain significance. Last evaluated: 2016-06-20. Review status: criteria provided, single submitter. Criteria: GeneDx Variant Classification (06012015). Collection method: clinical testing. Allele origin: germline. Affected: yes.
Comment: This variant is denoted NBN c.1654G>C at the cDNA level, p.Glu552Gln (E552Q) at the protein level, and results in the change of a Glutamic Acid to a Glutamine (GAA>CAA). This variant has not, to our knowledge, been published in the literature as pathogenic or benign. NBN Glu552Gln was not observed in approximately 6,500 individuals of European and African American ancestry in the NHLBI Exome Sequencing Project, suggesting it is not a common benign variant in these populations. Since Glutamic Acid and Glutamine differ in some properties, this is considered a semi-conservative amino acid substitution. NBN Glu552Gln occurs at a position that is not conserved and is not located in a known functional domain (UniProt). In silico analyses are inconsistent regarding the effect this variant may have on protein structure and function. Based on currently available information, it is unclear whether NBN Glu552Gln is pathogenic or benign. We consider it to be a variant of uncertain significance.